The following is an entry in ClinVar:

NM_005018.3(PDCD1):c.804T>G (p.Ala268=)

Gene: PDCD1 (programmed cell death 1; minus strand). Cytogenetic location: 2q37.3.
Variant type: single nucleotide variant.
Coding change: c.804T>G on transcript NM_005018.3 (MANE Select); coding-DNA position 804, T replaced by G.
Protein change: p.Ala268=; no amino-acid change (alanine 268 retained).
Molecular consequence: synonymous variant.
Genome position (GRCh38, 1-based): chr2:241,851,121, A>C on the plus strand (T>G on the coding strand, the complement: PDCD1 is on the minus strand). VCF-style: chr2-241851121-A-C. GRCh37 (hg19) VCF-style: chr2-242793273-A-C.
Other names: c.804T>G (NM_005018.2).
Identifiers: ClinVar variation 3026042 (VCV003026042.23), dbSNP rs2227981, ClinGen allele CA2223221.

ClinVar aggregate classification (germline): Likely benign. Review status: criteria provided, single submitter (1 of 4 stars). 2 submissions from 2 submitters: Likely benign (1). 1 of the submissions does not count toward it. Last evaluated 2023-12-01.

Conditions:
PDCD1-related disorder. Also called: PDCD1-related condition.

Allele frequency attached by ClinVar (database versions not stated): 1000 Genomes Project 30x 0.00078; 1000 Genomes Project 0.00080.

Submissions (2):

CeGaT Center for Human Genetics Tuebingen
Classification: Likely benign. Last evaluated: 2023-12-01. Review status: criteria provided, single submitter. Criteria: CeGaT Center For Human Genetics Tuebingen Variant Classification Criteria Version 2. Collection method: clinical testing. Allele origin: germline. Affected: yes. Observed: 1 variant allele.
Comment: PDCD1: BP4, BP7

PreventionGenetics, part of Exact Sciences
Classification: Likely benign for PDCD1-related condition. Last evaluated: 2020-01-02. Review status: no assertion criteria provided. Collection method: clinical testing. Allele origin: germline. Not counted in ClinVar's aggregate classification.
Comment: This variant is classified as likely benign based on ACMG/AMP sequence variant interpretation guidelines (Richards et al. 2015 PMID: 25741868, with internal and published modifications).